The following is an entry in ClinVar:

NM_000277.3(PAH):c.467C>A (p.Ala156Glu)

Gene: PAH (phenylalanine hydroxylase; minus strand). Cytogenetic location: 12q23.2.
Variant type: single nucleotide variant.
Coding change: c.467C>A on transcript NM_000277.3 (MANE Select); coding-DNA position 467, C replaced by A.
Protein change: p.Ala156Glu; replaces alanine 156 with glutamic acid.
Molecular consequence: missense variant.
Genome position (GRCh38, 1-based): chr12:102,866,638, G>T on the plus strand (C>A on the coding strand, the complement: PAH is on the minus strand). VCF-style: chr12-102866638-G-T. GRCh37 (hg19) VCF-style: chr12-103260416-G-T.
Other names: c.467C>A, p.Ala156Glu (NM_001354304.2); short protein forms A156E.
Identifiers: ClinVar variation 2577258 (VCV002577258.1), dbSNP rs570748767, ClinGen allele CA386299625.

ClinVar aggregate classification (germline): Uncertain significance (1 of 4 stars; one submission).

Allele frequency attached by ClinVar (database versions not stated): gnomAD exomes below 0.00001; TOPMed below 0.00001.
gnomAD v4.1: 5 of 1,613,696 alleles (0.00031%); highest among the groups gnomAD compares: East Asian, 0.011%; no homozygotes.

Submission:

Women's Health and Genetics/Laboratory Corporation of America, LabCorp
Classification: Uncertain significance. Last evaluated: 2023-07-25. Review status: criteria provided, single submitter. Criteria: LabCorp Variant Classification Summary - May 2015. Collection method: clinical testing. Allele origin: germline.
Comment: Variant summary: PAH c.467C>A (p.Ala156Glu) results in a non-conservative amino acid change located in the Aromatic amino acid hydroxylase, C-terminal domain (IPR019774) of the encoded protein sequence. Three of five in-silico tools predict a damaging effect of the variant on protein function. The variant was absent in 251348 control chromosomes (gnomAD). To our knowledge, no occurrence of c.467C>A in individuals affected with Phenylalanine Hydroxylase Deficiency (Phenylketonuria) and no experimental evidence demonstrating its impact on protein function have been reported. Other variants affecting the same residue (p.Ala156Val, p.Ala156Gly, p.Ala156Pro) are classified likely pathogenic in ClinVar or has been published with reduced enzyme activity, suggesting this residue may be critical for normal function of the protein (CV IDs: 1465203, 1487998 PMID: 24327145). No submitters have cited clinical-significance assessments for this variant to ClinVar after 2014. Based on the evidence outlined above, the variant was classified as VUS-possibly pathogenic.